The following is an entry in ClinVar:

NM_001384140.1(PCDH15):c.2769T>C (p.Pro923=)

Gene: PCDH15 (protocadherin related 15; minus strand). Cytogenetic location: 10q21.1.
Variant type: single nucleotide variant.
Coding change: c.2769T>C on transcript NM_001384140.1 (MANE Select); coding-DNA position 2769, T replaced by C.
Protein change: p.Pro923=; no amino-acid change (proline 923 retained).
Molecular consequence: synonymous variant.
Genome position (GRCh38, 1-based): chr10:53,995,748, A>G on the plus strand (T>C on the coding strand, the complement: PCDH15 is on the minus strand). VCF-style: chr10-53995748-A-G. GRCh37 (hg19) VCF-style: chr10-55755508-A-G.
Other names: c.2784T>C, p.Pro928= (NM_001142763.2, NM_001142771.2); c.2769T>C, p.Pro923= (NM_001142764.2, NM_001142766.2, NM_001142770.3 and 5 more transcripts); c.2556T>C, p.Pro852= (NM_001142765.2); c.2658T>C, p.Pro886= (NM_001142767.2); c.2703T>C, p.Pro901= (NM_001142768.2, NM_001142773.2, NM_001354404.2); c.2805T>C, p.Pro935= (NM_001142769.4); c.2790T>C, p.Pro930= (NM_001354411.2).
Identifiers: ClinVar variation 164915 (VCV000164915.12), dbSNP rs727503366, ClinGen allele CA177590.

ClinVar aggregate classification (germline): Likely benign. Review status: criteria provided, multiple submitters, no conflicts (2 of 4 stars). 2 submissions from 2 submitters: Likely benign (2). Last evaluated 2023-03-04.

Allele frequency attached by ClinVar (database versions not stated): gnomAD exomes below 0.00001.
gnomAD v4.1: 1 of 1,613,800 alleles (0.000062%); highest among the groups gnomAD compares: Admixed American, 0.0017%; no homozygotes.

Submissions (2):

Labcorp Genetics (formerly Invitae), Labcorp
Classification: Likely benign. Last evaluated: 2023-03-04. Review status: criteria provided, single submitter. Criteria: Invitae Variant Classification Sherloc (09022015). Collection method: clinical testing. Allele origin: germline.

Laboratory for Molecular Medicine, Mass General Brigham Personalized Medicine
Classification: Likely benign. Last evaluated: 2014-09-02. Review status: criteria provided, single submitter. Criteria: LMM Criteria. Collection method: clinical testing. Allele origin: germline. Observed: 1 variant allele.
Comment: Pro923Pro in exon 21 of PCDH15: This variant is not expected to have clinical si gnificance because it does not alter an amino acid residue and is not located wi thin the splice consensus sequence.